The following is an entry in ClinVar:

NM_018972.4(GDAP1):c.577A>C (p.Lys193Gln)

Gene: GDAP1 (ganglioside induced differentiation associated protein 1; plus strand). Cytogenetic location: 8q21.11.
Variant type: single nucleotide variant.
Coding change: c.577A>C on transcript NM_018972.4 (MANE Select); coding-DNA position 577, A replaced by C.
Protein change: p.Lys193Gln; replaces lysine 193 with glutamine.
Molecular consequence: missense variant.
Genome position (GRCh38, 1-based): chr8:74,361,976, A>C. VCF-style: chr8-74361976-A-C. GRCh37 (hg19) VCF-style: chr8-75274211-A-C.
Other names: c.373A>C, p.Lys125Gln (NM_001040875.4); c.250A>C, p.Lys84Gln (NM_001362929.2, NM_001362932.2); c.403A>C, p.Lys135Gln (NM_001362930.2); c.577A>C, p.Lys193Gln (NM_001362931.2); short protein forms K193Q, K135Q, K125Q, K84Q.
Identifiers: ClinVar variation 426521 (VCV000426521.9), dbSNP rs1085307665, ClinGen allele CA371549317.
Genomic context (GRCh38, chr8:74,361,976, plus strand): 5'-AAACTTGCTGAAGAAAACCCAGATTTACAAGAAGCATACATTGCAAAACAGAAACGACTT[A>C]AAGTAAGCCAATCAGCTGTCCTCAGTTGACATACACTGCACGGAGTAAATGTTCTACTTT-3'
Protein context (NP_061845.2, residues 183-203): EAYIAKQKRL[Lys193Gln]SKLLDHDNVK

ClinVar aggregate classification (germline): Uncertain significance. Review status: criteria provided, multiple submitters, no conflicts (2 of 4 stars). 2 submissions from 2 submitters: Uncertain significance (2). Last evaluated 2024-10-24.

Conditions:
Charcot-Marie-Tooth disease type 4A. Also called: Charcot-Marie-Tooth disease, demyelinating, autosomal recessive, type 4a. Identifiers: Orphanet 99948, MedGen C1859198, MONDO:0008961, OMIM 214400.

Allele frequency attached by ClinVar (database versions not stated): gnomAD exomes below 0.00001; gnomAD 0.00001; TOPMed 0.00002.
gnomAD v4.1: 16 of 1,545,608 alleles (0.001%); highest among the groups gnomAD compares: Non-Finnish European, 0.0013%; no homozygotes.

Submissions (2):

Labcorp Genetics (formerly Invitae), Labcorp
Classification: Uncertain significance for Charcot-Marie-Tooth disease type 4A. Last evaluated: 2024-10-24. Review status: criteria provided, single submitter. Criteria: Invitae Variant Classification Sherloc (09022015). Collection method: clinical testing. Allele origin: germline.
Comment: This sequence change replaces lysine, which is basic and polar, with glutamine, which is neutral and polar, at codon 193 of the GDAP1 protein (p.Lys193Gln). This variant is present in population databases (no rsID available, gnomAD 0.0009%). This variant has not been reported in the literature in individuals affected with GDAP1-related conditions. ClinVar contains an entry for this variant (Variation ID: 426521). An algorithm developed to predict the effect of missense changes on protein structure and function outputs the following: PolyPhen-2: "Probably Damaging". The glutamine amino acid residue is found in multiple mammalian species, which suggests that this missense change does not adversely affect protein function. In summary, the available evidence is currently insufficient to determine the role of this variant in disease. Therefore, it has been classified as a Variant of Uncertain Significance.

GeneDx
Classification: Uncertain significance. Last evaluated: 2017-04-13. Review status: criteria provided, single submitter. Criteria: GeneDx Variant Classification (06012015). Collection method: clinical testing. Allele origin: germline. Affected: yes.
Comment: A variant of uncertain significance has been identified in the GDAP1 gene. The K193Q variant has not been published as a pathogenic variant, nor has it been reported as a benign variant to our knowledge. The K193Q variant is not observed in large population cohorts (Lek et al., 2016; 1000 Genomes Consortium et al., 2015; Exome Variant Server). The K193Q variant is a semi-conservative amino acid substitution, which may impact secondary protein structure as these residues differ in some properties. This substitution occurs at a position that is conserved in mammals. However, in silico analysis is inconsistent in its predictions as to whether or not the variant is damaging to the protein structure/function. Therefore, based on the currently available information, it is unclear whether this variant is a pathogenic variant or a rare benign variant.